The following is an entry in ClinVar:

ClinVar aggregate classification (germline): Uncertain significance (1 of 4 stars; one submission).

Conditions:
Tay-Sachs disease, variant AB. Also called: Gm2-gangliosidosis, ab variant; GM2 Activator Deficiency. Identifiers: Orphanet 309246, MedGen C0268275, MONDO:0010099, OMIM 272750.

Submission:

Labcorp Genetics (formerly Invitae), Labcorp
Classification: Uncertain significance for Tay-Sachs disease, variant AB. Last evaluated: 2022-01-16. Review status: criteria provided, single submitter. Criteria: Invitae Variant Classification Sherloc (09022015). Collection method: clinical testing. Allele origin: germline.
Comment: Algorithms developed to predict the effect of sequence changes on RNA splicing suggest that this variant may create or strengthen a splice site. Algorithms developed to predict the effect of missense changes on protein structure and function (SIFT, PolyPhen-2, Align-GVGD) all suggest that this variant is likely to be tolerated. This variant has not been reported in the literature in individuals affected with GM2A-related conditions. This variant is not present in population databases (gnomAD no frequency). This sequence change replaces methionine, which is neutral and non-polar, with isoleucine, which is neutral and non-polar, at codon 69 of the GM2A protein (p.Met69Ile). In summary, the available evidence is currently insufficient to determine the role of this variant in disease. Therefore, it has been classified as a Variant of Uncertain Significance.

NM_000405.5(GM2A):c.207G>A (p.Met69Ile)

Gene: GM2A (ganglioside GM2 activator; plus strand). Cytogenetic location: 5q33.1.
Variant type: single nucleotide variant.
Coding change: c.207G>A on transcript NM_000405.5 (MANE Select); coding-DNA position 207, G replaced by A.
Protein change: p.Met69Ile; replaces methionine 69 with isoleucine.
Molecular consequence: missense variant.
Genome position (GRCh38, 1-based): chr5:151,259,880, G>A. VCF-style: chr5-151259880-G-A. GRCh37 (hg19) VCF-style: chr5-150639441-G-A.
Other names: c.207G>A, p.Met69Ile (NM_001167607.3); short protein forms M69I.
Identifiers: ClinVar variation 1362753 (VCV001362753.4), dbSNP rs2114032524, ClinGen allele CA361805984.